The following is an entry in ClinVar:

NM_025179.4(PLXNA2):c.1359C>A (p.Gly453=)

Gene: PLXNA2 (plexin A2; minus strand). Cytogenetic location: 1q32.2.
Variant type: single nucleotide variant.
Coding change: c.1359C>A on transcript NM_025179.4 (MANE Select); coding-DNA position 1359, C replaced by A.
Protein change: p.Gly453=; no amino-acid change (glycine 453 retained).
Molecular consequence: synonymous variant.
Genome position (GRCh38, 1-based): chr1:208,210,292, G>T on the plus strand (C>A on the coding strand, the complement: PLXNA2 is on the minus strand). VCF-style: chr1-208210292-G-T. GRCh37 (hg19) VCF-style: chr1-208383637-G-T.
Identifiers: ClinVar variation 724985 (VCV000724985.5), dbSNP rs148846226, ClinGen allele CA1373909.
Genomic context (GRCh38, chr1:208,210,292, plus strand): 5'-GCTGAGGAGGTGAATGGCATTGGAGCATCTGAACTCATAGACTCTTACCTTTTTCAGCTT[G>T]CCACTCTTAGTCCCCACAAAAACCACGCTGTAGCCGTTGTAAACGTAGGAGGCCACAGAG-3'
Protein context (NP_079455.3, residues 443-463): YSVVFVGTKS[Gly453=]KLKKIRADGP

ClinVar aggregate classification (germline): Likely benign. Review status: criteria provided, single submitter (1 of 4 stars). 2 submissions from 2 submitters: Likely benign (1). 1 of the submissions does not count toward it. Last evaluated 2018-10-17.

Conditions:
PLXNA2-related disorder. Also called: PLXNA2-related condition.

Allele frequency attached by ClinVar (database versions not stated): TOPMed 0.00011; ExAC 0.00012; gnomAD 0.00013 and 0.00014; ESP Exome Variant Server 0.00023.
gnomAD v4.1: 325 of 1,613,626 alleles (0.02%); highest among the groups gnomAD compares: Non-Finnish European, 0.026%; no homozygotes.

Submissions (2):

Labcorp Genetics (formerly Invitae), Labcorp
Classification: Likely benign. Last evaluated: 2018-10-17. Review status: criteria provided, single submitter. Criteria: Invitae Variant Classification Sherloc (09022015). Collection method: clinical testing. Allele origin: germline.

PreventionGenetics, part of Exact Sciences
Classification: Likely benign for PLXNA2-related condition. Last evaluated: 2021-08-27. Review status: no assertion criteria provided. Collection method: clinical testing. Allele origin: germline. Not counted in ClinVar's aggregate classification.
Comment: This variant is classified as likely benign based on ACMG/AMP sequence variant interpretation guidelines (Richards et al. 2015 PMID: 25741868, with internal and published modifications).